The following is an entry in ClinVar:

ClinVar aggregate classification (germline): Likely benign (0 of 4 stars; one submission).

Conditions:
EPPK1-related disorder. Also called: EPPK1-related condition.

Allele frequency attached by ClinVar (database versions not stated): 1000 Genomes Project 0.00180; 1000 Genomes Project 30x 0.00187; ExAC 0.00256; gnomAD 0.00256; gnomAD exomes 0.00289; TOPMed 0.00304; ESP Exome Variant Server 0.00379.
gnomAD v4.1: 4,600 of 1,613,696 alleles (0.29%); highest among the groups gnomAD compares: Non-Finnish European, 0.34%; 9 homozygotes.

Submission:

PreventionGenetics, part of Exact Sciences
Classification: Likely benign for EPPK1-related condition. Last evaluated: 2021-04-15. Review status: no assertion criteria provided. Collection method: clinical testing. Allele origin: germline.
Comment: This variant is classified as likely benign based on ACMG/AMP sequence variant interpretation guidelines (Richards et al. 2015 PMID: 25741868, with internal and published modifications).

NM_031308.4(EPPK1):c.5543C>T (p.Ala1848Val)

Gene: EPPK1 (epiplakin 1; minus strand). Cytogenetic location: 8q24.3.
Variant type: single nucleotide variant.
Coding change: c.5543C>T on transcript NM_031308.4 (MANE Select); coding-DNA position 5543, C replaced by T.
Protein change: p.Ala1848Val; replaces alanine 1848 with valine.
Molecular consequence: missense variant.
Genome position (GRCh38, 1-based): chr8:143,867,711, G>A on the plus strand (C>T on the coding strand, the complement: EPPK1 is on the minus strand). VCF-style: chr8-143867711-G-A. GRCh37 (hg19) VCF-style: chr8-144941879-G-A.
Other names: short protein forms A1848V.
Identifiers: ClinVar variation 3053472 (VCV003053472.2), dbSNP rs150969952, ClinGen allele CA4922107.
Genomic context (GRCh38, chr8:143,867,711, plus strand): 5'-TTCTGATCGATGACCCTGGAGTTGAACAGGTCTGCAGCTGTCACCTCCCCTCTGATGGCC[G>A]CCACTTTGATGCCTTGGTTTTGCGTCTCTGTTTCTTCAATTGTCGTGGTGATGATTTCCA-3'
Protein context (NP_112598.3, residues 1838-1858): TETQNQGIKV[Ala1848Val]AIRGEVTAAD